The following is an entry in ClinVar:

ClinVar aggregate classification (germline): Benign. Review status: criteria provided, multiple submitters, no conflicts (2 of 4 stars). 5 submissions from 3 submitters: Benign (5). Last evaluated 2021-06-10.

Conditions:
GRACILE syndrome (FLNMS). Also called: FELLMAN SYNDROME; FINNISH LETHAL NEONATAL METABOLIC SYNDROME. Identifiers: Orphanet 53693, MedGen C1864002, MONDO:0011308, OMIM 603358.
Mitochondrial complex III deficiency nuclear type 1. Identifiers: Orphanet 254902, MedGen C3541471, MONDO:0007415, OMIM 124000.
Pili torti-deafness syndrome (BJS). Also called: PILI TORTI AND NERVE DEAFNESS; Bjornstad syndrome. Identifiers: Orphanet 123, MedGen C0266006, MONDO:0009872, OMIM 262000.

Allele frequency attached by ClinVar (database versions not stated): gnomAD exomes 0.03762; gnomAD 0.05612 and 0.05627; TOPMed 0.05854; 1000 Genomes Project 30x 0.07542; 1000 Genomes Project 0.07668.
gnomAD v4.1: 62,033 of 1,567,452 alleles (4%); highest among the groups gnomAD compares: East Asian, 11%; 1,606 homozygotes.

Submissions (5):

Genome-Nilou Lab
Classification: Benign for Pili torti-deafness syndrome. Last evaluated: 2021-06-10. Review status: criteria provided, single submitter. Criteria: ACMG Guidelines, 2015. Collection method: clinical testing. Allele origin: germline. Affected: no.

Genome-Nilou Lab
Classification: Benign for GRACILE syndrome. Last evaluated: 2021-06-10. Review status: criteria provided, single submitter. Criteria: ACMG Guidelines, 2015. Collection method: clinical testing. Allele origin: germline. Affected: no.

Genome-Nilou Lab
Classification: Benign for Mitochondrial complex III deficiency nuclear type 1. Last evaluated: 2021-06-10. Review status: criteria provided, single submitter. Criteria: ACMG Guidelines, 2015. Collection method: clinical testing. Allele origin: germline. Affected: no.

GeneDx
Classification: Benign. Last evaluated: 2018-06-14. Review status: criteria provided, single submitter. Criteria: GeneDx Variant Classification (06012015). Collection method: clinical testing. Allele origin: germline. Affected: yes.
Comment: This variant is considered likely benign or benign based on one or more of the following criteria: it is a conservative change, it occurs at a poorly conserved position in the protein, it is predicted to be benign by multiple in silico algorithms, and/or has population frequency not consistent with disease.

Breakthrough Genomics
Classification: Benign. Review status: criteria provided, single submitter. Criteria: ACMG Guidelines, 2015. Collection method: not provided. Allele origin: germline. Inheritance: Autosomal recessive inheritance. Affected: yes.

NM_001079866.2(BCS1L):c.655+63C>T

Gene: BCS1L (BCS1 ubiquinol-cytochrome c reductase complex chaperone; plus strand). Cytogenetic location: 2q35.
Variant type: single nucleotide variant.
Coding change: c.655+63C>T on transcript NM_001079866.2 (MANE Select); 63 bases into the intron after coding-DNA position 655, C replaced by T.
Molecular consequence: intron variant.
Genome position (GRCh38, 1-based): chr2:218,662,016, C>T. VCF-style: chr2-218662016-C-T. GRCh37 (hg19) VCF-style: chr2-219526739-C-T.
Other names: c.655+63C>T (NM_001374085.1, NM_001371446.1, NM_001371450.1 and 10 more transcripts); c.154+63C>T (NM_001374086.1, NM_001371454.1, NM_001371453.1 and 3 more transcripts); c.295+63C>T (NM_001371451.1, NM_001318836.2).
Identifiers: ClinVar variation 676249 (VCV000676249.5), dbSNP rs36085075, ClinGen allele CA65809107.